The following is an entry in ClinVar:

ClinVar aggregate classification (germline): Pathogenic/Likely pathogenic. Review status: criteria provided, multiple submitters, no conflicts (2 of 4 stars). 3 submissions from 3 submitters: Pathogenic (1); Likely pathogenic (1). 1 of the submissions does not count toward it. Last evaluated 2025-09-18.

Conditions:
MEGF10-related myopathy (CMYO10A). Also called: Congenital myopathy 10A, severe variant. Identifiers: Orphanet 439212, MedGen C3280679, MONDO:0013731, OMIM 614399.

Submissions (3):

3billion
Classification: Pathogenic for MEGF10-related myopathy. Last evaluated: 2025-09-18. Review status: criteria provided, single submitter. Criteria: ACMG Guidelines, 2015. Collection method: clinical testing. Allele origin: germline. Affected: yes.
Comment: The variant is not observed in the gnomAD v4.1.0 dataset. Predicted Consequence/Location: Frameshift: predicted to result in a loss or disruption of normal protein function through nonsense-mediated decay (NMD) or protein truncation. Multiple pathogenic variants are reported downstream of the variant. The variant has been reported at least twice as pathogenic without evidence for the classification (ClinVar ID: VCV000374300). Therefore, this variant is classified as Pathogenic according to the recommendation of ACMG/AMP guideline.

Dubai Health Genomic Medicine Center, Dubai Health
Classification: Likely pathogenic for Congenital myopathy 10A, severe variant. Last evaluated: 2024-10-04. Review status: criteria provided, single submitter. Criteria: ACMG Guidelines, 2015. Collection method: research. Allele origin: germline. Affected: yes.
Comment: PVS1,PM2

Baylor Genetics
Classification: Pathogenic for MEGF10-related myopathy. Last evaluated: 2015-04-10. Review status: no assertion criteria provided. Collection method: clinical testing. Allele origin: germline. Inheritance: Autosomal recessive inheritance. Affected: yes. Observed: 2 variant alleles, 1 heterozygote, 1 homozygote. Not counted in ClinVar's aggregate classification.
Comment: Heterozygotes would be expected to be asymptomatic carriers.

NM_001256545.2(MEGF10):c.1557del (p.Trp520fs)

Gene: MEGF10 (multiple EGF like domains 10; plus strand). Cytogenetic location: 5q23.2.
Variant type: Deletion.
Coding change: c.1557del on transcript NM_001256545.2 (MANE Select); coding-DNA position 1557, one base deleted (A; older notation c.1557delA).
Protein change: p.Trp520fs; shifts the reading frame from tryptophan 520.
Molecular consequence: frameshift variant.
Genome position (GRCh38, 1-based): chr5:127,420,174, A deleted. VCF-style (leftmost placement, unchanged base first): chr5-127420173-GA-G. GRCh37 (hg19) VCF-style: chr5-126755865-GA-G.
Other names: c.1557del, p.Trp520fs (NM_001308119.2, NM_001308121.2, NM_032446.3); short protein forms W520fs.
Identifiers: ClinVar variation 374300 (VCV000374300.4), dbSNP rs1057518682, ClinGen allele CA16043660.